The following is an entry in ClinVar:

NM_006383.4(CIB2):c.97C>T (p.Arg33Ter)

Gene: CIB2 (calcium and integrin binding family member 2; minus strand). Cytogenetic location: 15q25.1.
Variant type: single nucleotide variant.
Coding change: c.97C>T on transcript NM_006383.4 (MANE Select); coding-DNA position 97, C replaced by T.
Protein change: p.Arg33Ter; replaces arginine 33 with a stop codon.
Molecular consequence: nonsense. On other transcripts: 5 prime UTR variant (1), intron variant (2).
Genome position (GRCh38, 1-based): chr15:78,111,266, G>A on the plus strand (C>T on the coding strand, the complement: CIB2 is on the minus strand). VCF-style: chr15-78111266-G-A. GRCh37 (hg19) VCF-style: chr15-78403608-G-A.
Other names: c.-33C>T (NM_001271888.2); c.52-1884C>T (NM_001271889.2); c.87-1757C>T (NM_001301224.2); short protein forms R33*.
Identifiers: ClinVar variation 816953 (VCV000816953.20), dbSNP rs201845656, ClinGen allele CA7680336.

ClinVar aggregate classification (germline): Pathogenic. Review status: criteria provided, multiple submitters, no conflicts (2 of 4 stars). 9 submissions from 9 submitters: Pathogenic (6). 3 of the submissions do not count toward it. Last evaluated 2026-04-20.

Conditions:
Usher syndrome. Also called: Usher's syndrome; Usher Syndromes. Identifiers: Orphanet 886, MedGen CN469326, MeSH D052245, MONDO:0019501. Disease mechanism: loss of function.
Autosomal recessive nonsyndromic hearing loss 48. Also called: Deafness, autosomal recessive 48; Usher Syndrome Type 1J. Identifiers: Orphanet 231169, Orphanet 886, Orphanet 90636, MedGen C1836199, MONDO:0012273, OMIM 609439.
CIB2-related disorders.
CIB2-related disorder. Also called: CIB2-related condition.

Allele frequency attached by ClinVar (database versions not stated): ESP Exome Variant Server 0.00023; ExAC 0.00004; gnomAD 0.00004; gnomAD exomes 0.00004 and 0.00006; TOPMed 0.00004.
gnomAD v4.1: 69 of 1,613,778 alleles (0.0043%); highest among the groups gnomAD compares: East Asian, 0.0067%; no homozygotes.

Submissions (9):

PreventionGenetics, part of Exact Sciences
Classification: Pathogenic for CIB2-related condition. Last evaluated: 2026-04-20. Review status: criteria provided, single submitter. Criteria: ACMG Guidelines, 2015. Collection method: clinical testing. Allele origin: germline.
Comment: The CIB2 c.97C>T variant is predicted to result in premature protein termination (p.Arg33*). This variant was reported in the homozygous or compound heterozygous states in four individuals with nonsyndromic hearing loss from three families (Seco et al. 2016. PubMed ID: 26173970; Talbi et al. 2018. PubMed ID: 30055715). This variant is reported in 0.012% of alleles in individuals of European (Non-Finnish) descent in gnomAD. Nonsense variants in CIB2 are expected to be pathogenic. This variant is interpreted as pathogenic.

Labcorp Genetics (formerly Invitae), Labcorp
Classification: Pathogenic. Last evaluated: 2025-10-02. Review status: criteria provided, single submitter. Criteria: Invitae Variant Classification Sherloc (09022015). Collection method: clinical testing. Allele origin: germline.
Comment: This sequence change creates a premature translational stop signal (p.Arg33*) in the CIB2 gene. It is expected to result in an absent or disrupted protein product. Loss-of-function variants in CIB2 are known to be pathogenic (PMID: 26173970, 26226137, 26445815). This variant is present in population databases (rs201845656, gnomAD 0.01%). This premature translational stop signal has been observed in individual(s) with nonsyndromic hearing loss (PMID: 26173970). It has also been observed to segregate with disease in related individuals. ClinVar contains an entry for this variant (Variation ID: 816953). For these reasons, this variant has been classified as Pathogenic.

Blueprint Genetics
Classification: Pathogenic for CIB2-related disorders. Last evaluated: 2023-09-25. Review status: criteria provided, single submitter. Criteria: ACMG Guidelines, 2015. Collection method: clinical testing. Allele origin: germline. Affected: yes. Observed: 5 variant alleles.

GeneDx
Classification: Pathogenic. Last evaluated: 2023-08-25. Review status: criteria provided, single submitter. Criteria: GeneDx Variant Classification Process June 2021. Collection method: clinical testing. Allele origin: germline. Affected: yes.
Comment: Nonsense variant predicted to result in protein truncation or nonsense mediated decay in a gene for which loss of function is a known mechanism of disease; This variant is associated with the following publications: (PMID: 26173970, 30055715)

Women's Health and Genetics/Laboratory Corporation of America, LabCorp
Classification: Pathogenic for Usher syndrome. Last evaluated: 2023-02-19. Review status: criteria provided, single submitter. Criteria: LabCorp Variant Classification Summary - May 2015. Collection method: clinical testing. Allele origin: germline.
Comment: Variant summary: CIB2 c.97C>T (p.Arg33X) results in a premature termination codon, predicted to cause a truncation of the encoded protein or absence of the protein due to nonsense mediated decay, which are commonly known mechanisms for disease. Truncations downstream of this position have been classified as pathogenic within ClinVar (e.g. c.300_309del [p.Glu100fs]). The variant allele was found at a frequency of 6e-05 in 250814 control chromosomes (gnomAD). This frequency is not significantly higher than estimated for a pathogenic variant in CIB2 causing Usher Syndrome (6e-05 vs 0.0014), allowing no conclusion about variant significance. c.97C>T has been reported in the literature as a biallelic genotype in multiple individuals affected with Hearing Loss (e.g. Seco_2016, Talbi_2018). These data indicate that the variant is very likely to be associated with disease. To our knowledge, no experimental evidence demonstrating an impact on protein function has been reported. Two ClinVar submitters have assessed the variant since 2014: both classified the variant as pathogenic. Based on the evidence outlined above, the variant was classified as pathogenic.

Juno Genomics, Hangzhou Juno Genomics, Inc
Classification: Pathogenic for Autosomal recessive nonsyndromic hearing loss 48. Review status: criteria provided, single submitter. Criteria: ACMG Guidelines, 2015. Collection method: clinical testing. Allele origin: germline. Affected: yes.
Comment: Absent from controls (or at extremely low frequency if recessive) in Genome Aggregation Database.;Null variant in a gene where loss of function (LOF) is a known mechanism of disease.;For recessive disorders, detected in trans with a pathogenic variant.

Clinical Genetics DNA and cytogenetics Diagnostics Lab, Erasmus MC, Erasmus Medical Center
Classification: Pathogenic. Review status: no assertion criteria provided. Collection method: clinical testing. Allele origin: germline. Affected: yes. Study: VKGL Data-share Consensus. Not counted in ClinVar's aggregate classification.

Genome Diagnostics Laboratory, Amsterdam University Medical Center
Classification: Pathogenic. Review status: no assertion criteria provided. Collection method: clinical testing. Allele origin: germline. Affected: yes. Study: VKGL Data-share Consensus. Not counted in ClinVar's aggregate classification.

Joint Genome Diagnostic Labs from Nijmegen and Maastricht, Radboudumc and MUMC+
Classification: Pathogenic. Review status: no assertion criteria provided. Collection method: clinical testing. Allele origin: germline. Affected: yes. Study: VKGL Data-share Consensus. Not counted in ClinVar's aggregate classification.

Literature cited by the submitters: PubMed 26173970 (cited by Labcorp Genetics (formerly Invitae), Labcorp and Women's Health and Genetics/Laboratory Corporation of America, LabCorp); PubMed 26226137 (cited by Labcorp Genetics (formerly Invitae), Labcorp); PubMed 26445815 (cited by Labcorp Genetics (formerly Invitae), Labcorp); PubMed 26992781 (cited by Women's Health and Genetics/Laboratory Corporation of America, LabCorp); PubMed 30055715 (cited by Women's Health and Genetics/Laboratory Corporation of America, LabCorp).